The following is an entry in ClinVar:

ClinVar aggregate classification (germline): Benign. Review status: criteria provided, multiple submitters, no conflicts (2 of 4 stars). 6 submissions from 5 submitters: Benign (5). 1 of the submissions does not count toward it. Last evaluated 2026-02-04.

Conditions:
Early-infantile DEE. Also called: Ohtahara syndrome; Early infantile epileptic encephalopathy; Early infantile epileptic encephalopathy with suppression bursts. Identifiers: Orphanet 1934, MedGen C0393706, MONDO:0800491.

Submissions (6):

Labcorp Genetics (formerly Invitae), Labcorp
Classification: Benign for Early-infantile DEE. Last evaluated: 2026-02-04. Review status: criteria provided, single submitter. Criteria: Invitae Variant Classification Sherloc (09022015). Collection method: clinical testing. Allele origin: germline.

Blueprint Genetics
Classification: Benign. Last evaluated: 2024-11-28. Review status: criteria provided, single submitter. Criteria: ACMG Guidelines, 2015. Collection method: clinical testing. Allele origin: germline.

Unidad de Genómica Garrahan, Hospital de Pediatría Garrahan
Classification: Benign. Last evaluated: 2024-07-15. Review status: criteria provided, single submitter. Criteria: ACMG Guidelines, 2015. Collection method: clinical testing. Allele origin: germline. Affected: no. Observed: 93 variant alleles.
Comment: This variant is classified as Benign based on local population frequency. This variant was detected in 100% of patients studied in a panel designed for Epileptic and Developmental Encephalopathy and Progressive Myoclonus Epilepsy. Number of patients: 93. Only high quality variants are reported.

Eurofins Ntd Llc (ga)
Classification: Benign. Last evaluated: 2016-11-28. Review status: criteria provided, single submitter. Criteria: EGL Classification Definitions 2015. Collection method: clinical testing. Allele origin: germline. Observed: 5 variant alleles, 5 homozygotes.

GeneDx
Classification: Benign. Last evaluated: 2015-03-03. Review status: criteria provided, single submitter. Criteria: GeneDx Variant Classification Process June 2021. Collection method: clinical testing. Allele origin: germline. Affected: yes.

GeneDx
Classification: Benign. Last evaluated: 2013-10-08. Review status: flagged submission. Criteria: GeneDx Variant Classification (06012015). Collection method: clinical testing. Allele origin: germline. Affected: yes. Not counted in ClinVar's aggregate classification.
Comment: The variant is found in EPILEPSY,INFANT-EPI panel(s).
ClinVar note: Reason: This record appears to be redundant with a more recent record from the same submitter.
ClinVar note: Notes: SCV000241424 appears to be redundant with SCV001846859.

NM_172107.4(KCNQ2):c.1302-29TGTC[5]

Gene: KCNQ2 (potassium voltage-gated channel subfamily Q member 2; minus strand). Cytogenetic location: 20q13.33.
Variant type: Microsatellite.
Coding change: c.1302-29TGTC[5] on transcript NM_172107.4 (MANE Select); five copies in a row of the 4-base unit TGTC starting at c.1302-29; the reference has three copies in a row; two copies, 8 bases duplicated.
Molecular consequence: intron variant.
Genome position (GRCh38, 1-based): chr20:63,415,144-63,415,151, GACAGACA duplicated on the plus strand (TGTCTGTC on the coding strand, the reverse complement: KCNQ2 is on the minus strand); duplicating any 8 consecutive bases within chr20:63,415,144-63,415,157 gives the same sequence; the position shown is the placement nearest the transcript's 3' end. VCF-style (leftmost placement, unchanged base first): chr20-63415143-C-CGACAGACA. GRCh37 (hg19) VCF-style: chr20-62046496-C-CGACAGACA.
Other names: c.1218-29TGTC[5] (NM_004518.6); c.1248-65TGTC[5] (NM_172108.5); c.1248-29TGTC[5] (NM_172106.3, NM_001382235.1).
Identifiers: ClinVar variation 498785 (VCV000498785.18), dbSNP rs112006486, ClinGen allele CA315300.